The following is an entry in ClinVar:

NM_001365276.2(TNXB):c.9946G>A (p.Ala3316Thr)

Gene: TNXB (tenascin XB; minus strand). Cytogenetic location: 6p21.33.
Variant type: single nucleotide variant.
Coding change: c.9946G>A on transcript NM_001365276.2 (MANE Select); coding-DNA position 9946, G replaced by A.
Protein change: p.Ala3316Thr; replaces alanine 3316 with threonine.
Molecular consequence: missense variant.
Genome position (GRCh38, 1-based): chr6:32,048,462, C>T on the plus strand (G>A on the coding strand, the complement: TNXB is on the minus strand). VCF-style: chr6-32048462-C-T. GRCh37 (hg19) VCF-style: chr6-32016239-C-T.
Other names: p.Ala3314Thr; c.9940G>A, p.Ala3314Thr (NM_019105.8); short protein forms A3314T, A3316T.
Identifiers: ClinVar variation 432511 (VCV000432511.46), dbSNP rs201452909, ClinGen allele CA3733363.
Genomic context (GRCh38, chr6:32,048,462, plus strand): 5'-CATTCTGGAGTCCAAAGAGCAGGAACTTGTACTTGCGGGCCGGGTCCAGCCCCGAGACGG[C>T]GACCGCTCGGAGGTCTCCGCTCACAGGCACTGCCTGGGGCTGCCCCTGCGCGTCCCTGTA-3'
Protein context (NP_001352205.1, residues 3306-3326): VPVSGDLRAV[Ala3316Thr]VSGLDPARKY

ClinVar aggregate classification (germline): Conflicting classifications of pathogenicity. Review status: criteria provided, conflicting classifications (1 of 4 stars). 10 submissions from 10 submitters: Uncertain significance (1); Benign (2); Likely benign (6). 1 of the submissions does not count toward it. Last evaluated 2026-07-01.

Conditions:
Cardiovascular phenotype. Identifiers: MedGen CN230736.
TNXB-related disorder. Also called: TNXB-related condition.
Ehlers-Danlos syndrome (EDS). Identifiers: Orphanet 98249, MedGen C0013720, MONDO:0020066.

Allele frequency attached by ClinVar (database versions not stated): ESP Exome Variant Server 0.00025; 1000 Genomes Project 30x 0.00031; 1000 Genomes Project 0.00040; gnomAD exomes 0.00060 and 0.00099; gnomAD 0.00068 and 0.00070; TOPMed 0.00071; ExAC 0.00092.
gnomAD v4.1: 995 of 1,589,666 alleles (0.063%); highest among the groups gnomAD compares: Middle Eastern, 0.67%; 6 homozygotes.

Submissions (10):

CeGaT Center for Human Genetics Tuebingen
Classification: Likely benign. Last evaluated: 2026-07-01. Review status: criteria provided, single submitter. Criteria: CeGaT Center For Human Genetics Tuebingen Variant Classification Criteria Version 2. Collection method: clinical testing. Allele origin: germline. Affected: yes. Observed: 6 variant alleles.
Comment: TNXB: BP4

Women's Health and Genetics/Laboratory Corporation of America, LabCorp
Classification: Likely benign. Last evaluated: 2026-04-01. Review status: criteria provided, single submitter. Criteria: LabCorp Variant Classification Summary - May 2015. Collection method: clinical testing. Allele origin: germline.
Comment: Variant summary: TNXB c.9940G>A (p.Ala3314Thr) results in a non-conservative amino acid change in the encoded protein sequence. Algorithms developed to predict the effect of missense changes on protein structure and function are either unavailable or do not agree on the potential impact of this missense change. The variant allele was found at a frequency of 0.00099 in 239444 control chromosomes, predominantly at a frequency of 0.0016 within the East Asian subpopulation in the gnomAD database. The observed variant frequency within East Asian control individuals in the gnomAD database exceeds the estimated maximal expected allele frequency for disease-causing variants in TNXB. To our knowledge, no occurrence of c.9940G>A in individuals affected with TNXB-related conditions and no experimental evidence demonstrating its impact on protein function have been reported. ClinVar contains an entry for this variant (Variation ID: 432511). Based on the evidence outlined above, the variant was classified as likely benign.

Labcorp Genetics (formerly Invitae), Labcorp
Classification: Benign. Last evaluated: 2026-02-01. Review status: criteria provided, single submitter. Criteria: Invitae Variant Classification Sherloc (09022015). Collection method: clinical testing. Allele origin: germline.

Blueprint Genetics
Classification: Likely benign. Last evaluated: 2024-11-11. Review status: criteria provided, single submitter. Criteria: ACMG Guidelines, 2015. Collection method: clinical testing. Allele origin: germline.

Mayo Clinic Laboratories, Mayo Clinic
Classification: Benign. Last evaluated: 2024-04-15. Review status: criteria provided, single submitter. Criteria: ACMG Guidelines, 2015. Collection method: clinical testing. Allele origin: germline. Observed: 6 variant alleles.
Comment: BS1, BS2, BP4

Ambry Genetics
Classification: Likely benign for Cardiovascular phenotype. Last evaluated: 2022-12-15. Review status: criteria provided, single submitter. Criteria: Ambry Variant Classification Scheme 2023. Collection method: clinical testing. Allele origin: germline.

Genome Diagnostics Laboratory, The Hospital for Sick Children
Classification: Uncertain significance for Ehlers-Danlos syndrome. Last evaluated: 2021-07-26. Review status: criteria provided, single submitter. Criteria: ACMG Guidelines, 2015. Collection method: clinical testing. Allele origin: germline.

GeneDx
Classification: Likely benign. Last evaluated: 2021-01-11. Review status: criteria provided, single submitter. Criteria: GeneDx Variant Classification Process June 2021. Collection method: clinical testing. Allele origin: germline. Affected: yes.

Breakthrough Genomics
Classification: Likely benign. Review status: criteria provided, single submitter. Criteria: ACMG Guidelines, 2015. Collection method: not provided. Allele origin: germline. Inheritance: Autosomal recessive inheritance. Affected: yes.

PreventionGenetics, part of Exact Sciences
Classification: Likely benign for TNXB-related condition. Last evaluated: 2019-11-11. Review status: no assertion criteria provided. Collection method: clinical testing. Allele origin: germline. Not counted in ClinVar's aggregate classification.
Comment: This variant is classified as likely benign based on ACMG/AMP sequence variant interpretation guidelines (Richards et al. 2015 PMID: 25741868, with internal and published modifications).